The following is an entry in ClinVar:

ClinVar aggregate classification (germline): Pathogenic (1 of 4 stars; one submission).

Conditions:
Arthrogryposis multiplex congenita 1, neurogenic, with myelin defect. Also called: Arthrogryposis multiplex congenita, neurogenic, with myelin defect. Identifiers: MedGen C4479539, MONDO:0060486, OMIM 617468.

Submission:

3billion
Classification: Pathogenic for Arthrogryposis multiplex congenita 1, neurogenic, with myelin defect. Last evaluated: 2025-10-28. Review status: criteria provided, single submitter. Criteria: ACMG Guidelines, 2015. Collection method: clinical testing. Allele origin: germline. Affected: yes.
Comment: The variant is observed at an extremely low frequency in the gnomAD v4.1.0 dataset (total allele frequency: <0.001%). Predicted Consequence/Location: Stop-gained (nonsense): predicted to result in a loss or disruption of normal protein function through nonsense-mediated decay (NMD) or protein truncation. Multiple pathogenic variants are reported downstream of the variant. The variant has been reported as of uncertain significance (PMID: 36098810; 3billion dataset). Therefore, this variant is classified as Pathogenic according to the recommendation of ACMG/AMP guideline.

NM_139284.3(LGI4):c.433C>T (p.Arg145Ter)

Gene: LGI4 (leucine rich repeat LGI family member 4; minus strand). Cytogenetic location: 19q13.12.
Variant type: single nucleotide variant.
Coding change: c.433C>T on transcript NM_139284.3 (MANE Select); coding-DNA position 433, C replaced by T.
Protein change: p.Arg145Ter; replaces arginine 145 with a stop codon.
Molecular consequence: nonsense.
Genome position (GRCh38, 1-based): chr19:35,131,814, G>A on the plus strand (C>T on the coding strand, the complement: LGI4 is on the minus strand). VCF-style: chr19-35131814-G-A. GRCh37 (hg19) VCF-style: chr19-35622718-G-A.
Other names: short protein forms R145*.
Identifiers: ClinVar variation 4856225 (VCV004856225.1).